The following is an entry in ClinVar:

NM_014714.4(IFT140):c.2528C>T (p.Pro843Leu)

Gene: IFT140 (intraflagellar transport 140; minus strand). Cytogenetic location: 16p13.3.
Variant type: single nucleotide variant.
Coding change: c.2528C>T on transcript NM_014714.4 (MANE Select); coding-DNA position 2528, C replaced by T.
Protein change: p.Pro843Leu; replaces proline 843 with leucine.
Molecular consequence: missense variant.
Genome position (GRCh38, 1-based): chr16:1,526,668, G>A on the plus strand (C>T on the coding strand, the complement: IFT140 is on the minus strand). VCF-style: chr16-1526668-G-A. GRCh37 (hg19) VCF-style: chr16-1576669-G-A.
Other names: c.2528C>T (NM_014714.3); short protein forms P843L.
Identifiers: ClinVar variation 1113425 (VCV001113425.12), dbSNP rs774864079, ClinGen allele CA7813597.

ClinVar aggregate classification (germline): Likely benign. Review status: criteria provided, multiple submitters, no conflicts (2 of 4 stars). 4 submissions from 4 submitters: Likely benign (4). Last evaluated 2026-03-04.

Conditions:
Saldino-Mainzer syndrome (SRTD9). Also called: CONORENAL SYNDROME; SHORT-RIB THORACIC DYSPLASIA 9 WITHOUT POLYDACTYLY; short-rib thoracic dysplasia 9 with or without polydactyly; Renal dysplasia, retinal pigmentary dystrophy, cerebellar ataxia and skeletal dysplasia. Identifiers: Orphanet 140969, MedGen C1849437, MONDO:0009964, OMIM 266920.
IFT140-related disorder. Also called: IFT140-related condition.
Retinal dystrophy. Also called: Inherited retinal dystrophy. Identifiers: Orphanet 71862, MedGen C0854723, MeSH D058499, MONDO:0019118, HP:0000556.

Allele frequency attached by ClinVar (database versions not stated): gnomAD exomes 0.00010 and 0.00032; ExAC 0.00058; gnomAD 0.00009; TOPMed 0.00009.
gnomAD v4.1: 161 of 1,597,906 alleles (0.01%); highest among the groups gnomAD compares: Middle Eastern, 0.087%; 3 homozygotes.

Submissions (4):

PreventionGenetics, part of Exact Sciences
Classification: Likely benign for IFT140-related condition. Last evaluated: 2026-03-04. Review status: criteria provided, single submitter. Criteria: ACMG Guidelines, 2015. Collection method: clinical testing. Allele origin: germline.
Comment: This variant is classified as likely benign based on ACMG/AMP sequence variant interpretation guidelines (Richards et al. 2015 PMID: 25741868, with internal and published modifications).

Labcorp Genetics (formerly Invitae), Labcorp
Classification: Likely benign for Saldino-Mainzer syndrome. Last evaluated: 2026-01-11. Review status: criteria provided, single submitter. Criteria: Invitae Variant Classification Sherloc (09022015). Collection method: clinical testing. Allele origin: germline.

Blueprint Genetics
Classification: Likely benign. Last evaluated: 2024-10-17. Review status: criteria provided, single submitter. Criteria: ACMG Guidelines, 2015. Collection method: clinical testing. Allele origin: germline.

Dept Of Ophthalmology, Nagoya University
Classification: Likely benign for Retinal dystrophy. Last evaluated: 2023-10-01. Review status: criteria provided, single submitter. Criteria: Submitter's publication. Collection method: research. Allele origin: germline. Affected: yes.